The following is an entry in ClinVar:

NM_001166114.2(PNPLA6):c.1608+3G>T

Gene: PNPLA6 (patatin like domain 6, lysophospholipase; plus strand). Cytogenetic location: 19p13.2.
Variant type: single nucleotide variant.
Coding change: c.1608+3G>T on transcript NM_001166114.2 (MANE Select); 3 bases into the intron after coding-DNA position 1608, G replaced by T.
Molecular consequence: intron variant.
Genome position (GRCh38, 1-based): chr19:7,543,087, G>T. VCF-style: chr19-7543087-G-T. GRCh37 (hg19) VCF-style: chr19-7607973-G-T.
Other names: c.1491+3G>T (NM_006702.5, NM_001166113.1); c.1413+159G>T (NM_001166112.2); c.1635+3G>T (NM_001166111.2).
Identifiers: ClinVar variation 2071454 (VCV002071454.4), dbSNP rs2512509798, ClinGen allele CA2576597576.

ClinVar aggregate classification (germline): Uncertain significance (1 of 4 stars; one submission).

Conditions:
Hereditary spastic paraplegia 39 (SPG39). Also called: Spastic Paraplegia Type 39 (SPG39); SPASTIC PARAPLEGIA 39, AUTOSOMAL RECESSIVE. Identifiers: Orphanet 139480, MedGen C2677586, MONDO:0012787, OMIM 612020.

Allele frequency attached by ClinVar (database versions not stated): gnomAD exomes below 0.00001.
gnomAD v4.1: 1 of 1,612,714 alleles (0.000062%); highest among the groups gnomAD compares: Non-Finnish European, 0.000085%; no homozygotes.

Submission:

Labcorp Genetics (formerly Invitae), Labcorp
Classification: Uncertain significance for Hereditary spastic paraplegia 39. Last evaluated: 2025-04-29. Review status: criteria provided, single submitter. Criteria: Invitae Variant Classification Sherloc (09022015). Collection method: clinical testing. Allele origin: germline.
Comment: This sequence change falls in intron 16 of the PNPLA6 gene. It does not directly change the encoded amino acid sequence of the PNPLA6 protein. RNA analysis indicates that this variant induces altered splicing and likely results in the loss of multiple amino acid residue(s), but is expected to preserve the integrity of the reading-frame. This variant is not present in population databases (gnomAD no frequency). This variant has been observed in individuals with PNPLA6-related conditions (PMID: 35947152, 38735647). This variant is also known as c.1635+3G>T. ClinVar contains an entry for this variant (Variation ID: 2071454). Variants that disrupt the consensus splice site are a relatively common cause of aberrant splicing (PMID: 17576681, 9536098). In summary, the available evidence is currently insufficient to determine the role of this variant in disease. Therefore, it has been classified as a Variant of Uncertain Significance.

Literature cited by the submitters: PubMed 35947152; PubMed 38735647; PubMed 17576681; PubMed 9536098.